The following is an entry in ClinVar:

NM_006767.4(LZTR1):c.865A>C (p.Met289Leu)

Gene: LZTR1 (leucine zipper like post translational regulator 1; plus strand). Cytogenetic location: 22q11.21.
Variant type: single nucleotide variant.
Coding change: c.865A>C on transcript NM_006767.4 (MANE Select); coding-DNA position 865, A replaced by C.
Protein change: p.Met289Leu; replaces methionine 289 with leucine.
Molecular consequence: missense variant.
Genome position (GRCh38, 1-based): chr22:20,991,701, A>C. VCF-style: chr22-20991701-A-C. GRCh37 (hg19) VCF-style: chr22-21345990-A-C.
Other names: c.865A>C (NM_006767.3); short protein forms M289L.
Identifiers: ClinVar variation 1389871 (VCV001389871.7), dbSNP rs2147964929, ClinGen allele CA410781295.

ClinVar aggregate classification (germline): Uncertain significance. Review status: criteria provided, multiple submitters, no conflicts (2 of 4 stars). 2 submissions from 2 submitters: Uncertain significance (2). Last evaluated 2023-03-28.

Conditions:
Cardiovascular phenotype. Identifiers: MedGen CN230736.
Hereditary cancer-predisposing syndrome. Also called: Neoplastic Syndromes, Hereditary; Tumor predisposition; Hereditary neoplastic syndrome; Hereditary Cancer Syndrome. Identifiers: Orphanet 140162, MedGen C0027672, MeSH D009386, MONDO:0015356.

Submissions (2):

Ambry Genetics
Classification: Uncertain significance for Cardiovascular phenotype; Hereditary cancer-predisposing syndrome. Last evaluated: 2023-03-28. Review status: criteria provided, single submitter. Criteria: Ambry Variant Classification Scheme 2023. Collection method: clinical testing. Allele origin: germline.
Comment: The p.M289L variant (also known as c.865A>C), located in coding exon 9 of the LZTR1 gene, results from an A to C substitution at nucleotide position 865. The methionine at codon 289 is replaced by leucine, an amino acid with highly similar properties. This amino acid position is highly conserved in available vertebrate species. In addition, the in silico prediction for this alteration is inconclusive. Since supporting evidence is limited at this time, the clinical significance of this alteration remains unclear.

Labcorp Genetics (formerly Invitae), Labcorp
Classification: Uncertain significance. Last evaluated: 2021-10-28. Review status: criteria provided, single submitter. Criteria: Invitae Variant Classification Sherloc (09022015). Collection method: clinical testing. Allele origin: germline.
Comment: Algorithms developed to predict the effect of missense changes on protein structure and function are either unavailable or do not agree on the potential impact of this missense change (SIFT: "Tolerated"; PolyPhen-2: "Probably Damaging"; Align-GVGD: "Class C0"). This variant has not been reported in the literature in individuals affected with LZTR1-related conditions. This variant is not present in population databases (gnomAD no frequency). This sequence change replaces methionine, which is neutral and non-polar, with leucine, which is neutral and non-polar, at codon 289 of the LZTR1 protein (p.Met289Leu). In summary, the available evidence is currently insufficient to determine the role of this variant in disease. Therefore, it has been classified as a Variant of Uncertain Significance.